The following is an entry in ClinVar:

NM_022124.6(CDH23):c.9746A>G (p.Gln3249Arg)

Gene: CDH23 (cadherin related 23; plus strand). Cytogenetic location: 10q22.1.
Variant type: single nucleotide variant.
Coding change: c.9746A>G on transcript NM_022124.6 (MANE Select); coding-DNA position 9746, A replaced by G.
Protein change: p.Gln3249Arg; replaces glutamine 3249 with arginine.
Molecular consequence: missense variant.
Genome position (GRCh38, 1-based): chr10:71,814,959, A>G. VCF-style: chr10-71814959-A-G. GRCh37 (hg19) VCF-style: chr10-73574716-A-G.
Other names: c.3026A>G, p.Gln1009Arg (NM_001171933.1); c.2921A>G, p.Gln974Arg (NM_001171934.1); c.437A>G, p.Gln146Arg (NM_001171935.1); c.332A>G, p.Gln111Arg (NM_001171936.1); short protein forms Q3249R, Q974R, Q146R, Q1009R, Q111R.
Identifiers: ClinVar variation 228509 (VCV000228509.4), dbSNP rs876657761, ClinGen allele CA10576822.

ClinVar aggregate classification (germline): Uncertain significance (1 of 4 stars; one submission).

Allele frequency attached by ClinVar (database versions not stated): gnomAD exomes below 0.00001.
gnomAD v4.1: 1 of 1,610,676 alleles (0.000062%); highest among the groups gnomAD compares: Non-Finnish European, 0.000085%; no homozygotes.

Submission:

Laboratory for Molecular Medicine, Mass General Brigham Personalized Medicine
Classification: Uncertain significance. Last evaluated: 2015-01-26. Review status: criteria provided, single submitter. Criteria: LMM Criteria. Collection method: clinical testing. Allele origin: germline. Observed: 1 variant allele.
Comment: The p.Gln3249Arg variant in CDH23 has not been previously reported in individual s with hearing loss and was absent from large population studies. Computational prediction tools and conservation analyses do not provide strong support for or against an impact to the protein. In summary, the clinical significance of the p .Gln3249Arg variant is uncertain.